The following is an entry in ClinVar:

ClinVar aggregate classification (germline): Uncertain significance (1 of 4 stars; one submission).

Conditions:
Tuberous sclerosis 2 (TSC2). Identifiers: Orphanet 805, MedGen C1860707, MONDO:0013199, OMIM 613254.

Submission:

Labcorp Genetics (formerly Invitae), Labcorp
Classification: Uncertain significance for Tuberous sclerosis 2. Last evaluated: 2022-09-14. Review status: criteria provided, single submitter. Criteria: Invitae Variant Classification Sherloc (09022015). Collection method: clinical testing. Allele origin: germline.
Comment: This variant is not present in population databases (gnomAD no frequency). In summary, the available evidence is currently insufficient to determine the role of this variant in disease. Therefore, it has been classified as a Variant of Uncertain Significance. Advanced modeling of protein sequence and biophysical properties (such as structural, functional, and spatial information, amino acid conservation, physicochemical variation, residue mobility, and thermodynamic stability) performed at Invitae indicates that this missense variant is not expected to disrupt TSC2 protein function. This variant has not been reported in the literature in individuals affected with TSC2-related conditions. This sequence change replaces glutamic acid, which is acidic and polar, with alanine, which is neutral and non-polar, at codon 656 of the TSC2 protein (p.Glu656Ala).

NM_000548.5(TSC2):c.1967A>C (p.Glu656Ala)

Gene: TSC2 (TSC complex subunit 2; plus strand). Cytogenetic location: 16p13.3.
Variant type: single nucleotide variant.
Coding change: c.1967A>C on transcript NM_000548.5 (MANE Select); coding-DNA position 1967, A replaced by C.
Protein change: p.Glu656Ala; replaces glutamic acid 656 with alanine.
Molecular consequence: missense variant.
Genome position (GRCh38, 1-based): chr16:2,071,804, A>C. VCF-style: chr16-2071804-A-C. GRCh37 (hg19) VCF-style: chr16-2121805-A-C.
Other names: c.1967A>C, p.Glu656Ala (NM_001077183.3, NM_001114382.3, NM_001363528.2 and 6 more transcripts); c.1856A>C, p.Glu619Ala (NM_001318827.2, NM_001406670.1, NM_001406678.1); c.1820A>C, p.Glu607Ala (NM_001318829.2, NM_001406679.1, NM_001406675.1 and 1 more transcripts); c.1367A>C, p.Glu456Ala (NM_001318831.2, NM_001406680.1, NM_001406682.1 and 6 more transcripts); c.2000A>C, p.Glu667Ala (NM_001318832.2); c.1505A>C, p.Glu502Ala (NM_001406681.1); c.623A>C, p.Glu208Ala (NM_001406689.1, NM_001406690.1, NM_001406691.1 and 6 more transcripts); c.365A>C, p.Glu122Ala (NM_001406698.1); and 3 more; short protein forms E122A, E208A, E619A, E502A, E637A, E656A, E686A, E456A.
Identifiers: ClinVar variation 1920574 (VCV001920574.5), dbSNP rs2088449468, ClinGen allele CA394274321.